The following is an entry in ClinVar:

ClinVar aggregate classification (germline): Pathogenic (1 of 4 stars; one submission).

Conditions:
Fetal anomalies with a likely genetic cause.

gnomAD v4.1: 3 of 1,613,370 alleles (0.00019%); highest among the groups gnomAD compares: Non-Finnish European, 0.00017%; no homozygotes.

Submission:

Genetics Laboratory, Great Ormond Street Hospital NHS Foundation Trust, North Thames Genomic Laboratory Hub
Classification: Pathogenic for Fetal anomalies with a likely genetic cause. Last evaluated: 2026-03-26. Review status: criteria provided, single submitter. Criteria: ACGS Best Practice Guidelines for Variant Classification in Rare Disease 2024 v1.2. Collection method: clinical testing. Allele origin: germline. Affected: yes.
Comment: PM2_moderate, PVS1_very-strong

NM_206943.4(LTBP1):c.2041C>T (p.Arg681Ter)

Gene: LTBP1 (latent transforming growth factor beta binding protein 1; plus strand). Cytogenetic location: 2p22.3.
Variant type: single nucleotide variant.
Coding change: c.2041C>T on transcript NM_206943.4 (MANE Select); coding-DNA position 2041, C replaced by T.
Protein change: p.Arg681Ter; replaces arginine 681 with a stop codon.
Molecular consequence: nonsense.
Genome position (GRCh38, 1-based): chr2:33,252,718, C>T. VCF-style: chr2-33252718-C-T. GRCh37 (hg19) VCF-style: chr2-33477785-C-T.
Other names: c.1063C>T, p.Arg355Ter (NM_000627.4, NM_001166264.2, NM_001166265.2 and 21 more transcripts); c.2041C>T, p.Arg681Ter (NM_001394905.1); c.820C>T, p.Arg274Ter (NM_001394916.1); short protein forms R274*, R355*, R681*.
Identifiers: ClinVar variation 4851366 (VCV004851366.1).
Genomic context (GRCh38, chr2:33,252,718, plus strand): 5'-CTTTATCTCTCTGCTTCAGCTGATCCCCCTGTGATCTCGGAAGAGAAAGGGCCCTGTTAC[C>T]GACTTGTCAGTTCTGGAAGACAGTGTATGCACCCTCTGTCTGTTCACCTCACCAAGCAGC-3'